The following is an entry in ClinVar:

ClinVar aggregate classification (germline): Likely pathogenic (1 of 4 stars; one submission).

Conditions:
Neuroocular syndrome 1 (NOC1). Identifiers: Orphanet 659904, MedGen C5925133, MONDO:0971007, OMIM 619539.

Submission:

Laboratorio de Genetica e Diagnostico Molecular, Hospital Israelita Albert Einstein
Classification: Likely pathogenic for Neuroocular syndrome 1. Last evaluated: 2024-04-07. Review status: criteria provided, single submitter. Criteria: ACMG Guidelines, 2015. Collection method: clinical testing. Allele origin: germline. Affected: yes.
Comment: ACMG classification criteria: PVS1 very strong, PM2 supporting

NM_020719.3(PRR12):c.4813C>T (p.Arg1605Ter)

Gene: PRR12 (proline rich 12; plus strand). Cytogenetic location: 19q13.33.
Variant type: single nucleotide variant.
Coding change: c.4813C>T on transcript NM_020719.3 (MANE Select); coding-DNA position 4813, C replaced by T.
Protein change: p.Arg1605Ter; replaces arginine 1605 with a stop codon.
Molecular consequence: nonsense.
Genome position (GRCh38, 1-based): chr19:49,614,572, C>T. VCF-style: chr19-49614572-C-T. GRCh37 (hg19) VCF-style: chr19-50117829-C-T.
Other names: short protein forms R1605*.
Identifiers: ClinVar variation 4076230 (VCV004076230.1).